The following is an entry in ClinVar:

ClinVar aggregate classification (germline): Uncertain significance (1 of 4 stars; one submission).

Conditions:
Familial thoracic aortic aneurysm and aortic dissection (TAAD). Also called: Thoracic aortic aneurysms and dissections. Identifiers: Orphanet 91387, MedGen C4707243, MONDO:0019625.

gnomAD v4.1: 2 of 1,613,094 alleles (0.00012%); highest among the groups gnomAD compares: East Asian, 0.0022%; no homozygotes.

Submission:

All of Us Research Program, National Institutes of Health
Classification: Uncertain significance for Familial thoracic aortic aneurysm and aortic dissection. Last evaluated: 2023-04-03. Review status: criteria provided, single submitter. Criteria: ACMG Guidelines, 2015. Collection method: clinical testing. Allele origin: germline. Inheritance: Autosomal dominant inheritance. Observed: 1 variant allele, 1 heterozygote.
Comment: This variant changes 1 nucleotide in exon 26 of the MYH11 gene, creating a premature translation stop signal. This variant is expected to result in an absent or non-functional protein product. To our knowledge, this variant has not been reported in individuals affected with MYH11-related disorders in the literature. This variant has been identified in 1/250990 chromosomes in the general population by the Genome Aggregation Database (gnomAD). The role of loss-of-function MYH11 truncation and splice variants in autosomal dominant cardiovascular disorders is not clearly established. The available evidence is insufficient to determine the role of this variant in disease conclusively. Therefore, this variant is classified as a Variant of Uncertain Significance.

This study involves interpretation of variants in research participants for the purpose of population health screening. Participant phenotype was not available at the time of variant classification. Additional details can be found in publication PMID: 35346344, PMCID: PMC8962531

NM_002474.3(MYH11):c.3271G>T (p.Glu1091Ter)

Gene: MYH11 (myosin heavy chain 11; minus strand). Cytogenetic location: 16p13.11.
Variant type: single nucleotide variant.
Coding change: c.3271G>T on transcript NM_002474.3 (MANE Select); coding-DNA position 3271, G replaced by T.
Protein change: p.Glu1091Ter; replaces glutamic acid 1091 with a stop codon.
Molecular consequence: nonsense.
Genome position (GRCh38, 1-based): chr16:15,737,471, C>A on the plus strand (G>T on the coding strand, the complement: MYH11 is on the minus strand). VCF-style: chr16-15737471-C-A. GRCh37 (hg19) VCF-style: chr16-15831328-C-A.
Other names: c.3292G>T, p.Glu1098Ter (NM_001040113.2, NM_001040114.2); c.3271G>T, p.Glu1091Ter (NM_022844.3); short protein forms E1091*, E1098*.
Identifiers: ClinVar variation 3070052 (VCV003070052.1), dbSNP rs201443445, ClinGen allele CA394862789.